The following is an entry in ClinVar:

NM_031263.4(HNRNPK):c.376G>A (p.Glu126Lys)

Genes: HNRNPK (heterogeneous nuclear ribonucleoprotein K; minus strand), HNRNPK-AS1 (HNRNPK antisense RNA 1; plus strand). Cytogenetic location: 9q21.32.
Variant type: single nucleotide variant.
Coding change: c.376G>A on transcript NM_031263.4 (MANE Select); coding-DNA position 376, G replaced by A.
Protein change: p.Glu126Lys; replaces glutamic acid 126 with lysine.
Molecular consequence: missense variant. On other transcripts: intron variant (2).
Genome position (GRCh38, 1-based): chr9:83,973,928, C>T on the plus strand (G>A on the coding strand, the complement: HNRNPK is on the minus strand). VCF-style: chr9-83973928-C-T. GRCh37 (hg19) VCF-style: chr9-86588843-C-T.
Other names: c.376G>A, p.Glu126Lys (NM_001318188.2, NM_002140.5, NM_031262.4); c.331-529G>A (NM_001318186.2, NM_001318187.2); short protein forms E126K.
Identifiers: ClinVar variation 4806034 (VCV004806034.1).
Genomic context (GRCh38, chr9:83,973,928, plus strand): 5'-TACTTCAGTGGGGTTCAATGGCACTATGACATACATTTAAGCATTCCACAGCATCAGATT[C>T]GAGCGGGAGCTGGCTGGTTGCAGTGGGTGATGGCAACTGCAGGCCCTGAAAGTAGAAAAA-3'
Protein context (NP_112553.1, residues 116-136): SPTATSQLPL[Glu126Lys]SDAVECLNYQ

ClinVar aggregate classification (germline): Uncertain significance (1 of 4 stars; one submission).

Submission:

Labcorp Genetics (formerly Invitae), Labcorp
Classification: Uncertain significance. Last evaluated: 2025-04-15. Review status: criteria provided, single submitter. Criteria: Invitae Variant Classification Sherloc (09022015). Collection method: clinical testing. Allele origin: germline.
Comment: This sequence change replaces glutamic acid, which is acidic and polar, with lysine, which is basic and polar, at codon 126 of the HNRNPK protein (p.Glu126Lys). This variant is not present in population databases (gnomAD no frequency). This variant has not been reported in the literature in individuals affected with HNRNPK-related conditions. An algorithm developed to predict the effect of missense changes on protein structure and function (PolyPhen-2) suggests that this variant is likely to be tolerated. In summary, the available evidence is currently insufficient to determine the role of this variant in disease. Therefore, it has been classified as a Variant of Uncertain Significance.